The following is an entry in ClinVar:

ClinVar aggregate classification (germline): Uncertain significance (1 of 4 stars; one submission).

Conditions:
Warburg micro syndrome 2 (WARBM2). Also called: MICRO SYNDROME 2. Identifiers: Orphanet 2510, MedGen C3280214, MONDO:0013641, OMIM 614225.
Martsolf syndrome (MARTS). Also called: Congenital cataract with intellectual disability and hypogonadotropic hypogonadism syndrome. Identifiers: Orphanet 1387, MedGen C0796037, MONDO:0023910.

Allele frequency attached by ClinVar (database versions not stated): gnomAD exomes below 0.00001; TOPMed below 0.00001.
gnomAD v4.1: 2 of 1,613,234 alleles (0.00012%); highest among the groups gnomAD compares: Admixed American, 0.0017%; no homozygotes.

Submission:

Labcorp Genetics (formerly Invitae), Labcorp
Classification: Uncertain significance for Martsolf syndrome; Warburg micro syndrome 2. Last evaluated: 2024-03-08. Review status: criteria provided, single submitter. Criteria: Invitae Variant Classification Sherloc (09022015). Collection method: clinical testing. Allele origin: germline.
Comment: This sequence change replaces valine, which is neutral and non-polar, with leucine, which is neutral and non-polar, at codon 79 of the RAB3GAP2 protein (p.Val79Leu). This variant is not present in population databases (gnomAD no frequency). This variant has not been reported in the literature in individuals affected with RAB3GAP2-related conditions. ClinVar contains an entry for this variant (Variation ID: 2037798). Advanced modeling of protein sequence and biophysical properties (such as structural, functional, and spatial information, amino acid conservation, physicochemical variation, residue mobility, and thermodynamic stability) performed at Invitae indicates that this missense variant is not expected to disrupt RAB3GAP2 protein function with a negative predictive value of 80%. In summary, the available evidence is currently insufficient to determine the role of this variant in disease. Therefore, it has been classified as a Variant of Uncertain Significance.

NM_012414.4(RAB3GAP2):c.235G>C (p.Val79Leu)

Gene: RAB3GAP2 (RAB3 GTPase activating non-catalytic protein subunit 2; minus strand). Cytogenetic location: 1q41.
Variant type: single nucleotide variant.
Coding change: c.235G>C on transcript NM_012414.4 (MANE Select); coding-DNA position 235, G replaced by C.
Protein change: p.Val79Leu; replaces valine 79 with leucine.
Molecular consequence: missense variant.
Genome position (GRCh38, 1-based): chr1:220,213,925, C>G on the plus strand (G>C on the coding strand, the complement: RAB3GAP2 is on the minus strand). VCF-style: chr1-220213925-C-G. GRCh37 (hg19) VCF-style: chr1-220387267-C-G.
Other names: short protein forms V79L.
Identifiers: ClinVar variation 2037798 (VCV002037798.3), dbSNP rs948780757, ClinGen allele CA37951907.